The following is an entry in ClinVar:

ClinVar aggregate classification (germline): Conflicting classifications of pathogenicity. Review status: criteria provided, conflicting classifications (1 of 4 stars). 4 submissions from 4 submitters: Uncertain significance (3); Likely benign (1). Last evaluated 2026-01-11.

Conditions:
Developmental and epileptic encephalopathy, 42 (DEE42A). Also called: Epileptic encephalopathy, early infantile, 42; DEVELOPMENTAL AND EPILEPTIC ENCEPHALOPATHY 42A; EPILEPTIC ENCEPHALOPATHY, EARLY INFANTILE, 42A. Identifiers: MedGen C4310716, MONDO:0014917, OMIM 617106.
Episodic ataxia type 2 (EA2). Also called: ATAXIA, EPISODIC, WITH NYSTAGMUS; ATAXIA, FAMILIAL PAROXYSMAL; CEREBELLAR ATAXIA, PAROXYSMAL, ACETAZOLAMIDE-RESPONSIVE; CEREBELLOPATHY, HEREDITARY PAROXYSMAL; EPISODIC ATAXIA, NYSTAGMUS-ASSOCIATED; ACETAZOLAMIDE-RESPONSIVE HEREDITARY PAROXYSMAL CEREBELLAR ATAXIA. Identifiers: Orphanet 97, MedGen C1720416, MONDO:0007163, OMIM 108500.
Inborn genetic diseases. Identifiers: MedGen C0950123, MeSH D030342.

Allele frequency attached by ClinVar (database versions not stated): TOPMed 0.00002.
gnomAD v4.1: 20 of 1,537,206 alleles (0.0013%); highest among the groups gnomAD compares: South Asian, 0.012%; no homozygotes.

Submissions (4):

Labcorp Genetics (formerly Invitae), Labcorp
Classification: Likely benign for Developmental and epileptic encephalopathy, 42; Episodic ataxia type 2. Last evaluated: 2026-01-11. Review status: criteria provided, single submitter. Criteria: Invitae Variant Classification Sherloc (09022015). Collection method: clinical testing. Allele origin: germline.

GeneDx
Classification: Uncertain significance. Last evaluated: 2023-08-30. Review status: criteria provided, single submitter. Criteria: GeneDx Variant Classification Process June 2021. Collection method: clinical testing. Allele origin: germline. Affected: yes.
Comment: Has not been previously published as pathogenic or benign to our knowledge; In silico analysis supports that this missense variant has a deleterious effect on protein structure/function

Ambry Genetics
Classification: Uncertain significance for Inborn genetic diseases. Last evaluated: 2017-10-21. Review status: criteria provided, single submitter. Criteria: Ambry Variant Classification Scheme 2023. Collection method: clinical testing. Allele origin: germline.
Comment: The p.R2206W variant (also known as c.6616C>T), located in coding exon 46 of the CACNA1A gene, results from a C to T substitution at nucleotide position 6616. The arginine at codon 2206 is replaced by tryptophan, an amino acid with dissimilar properties. This amino acid position is highly conserved in available vertebrate species. In addition, the in silico prediction for this alteration is inconclusive. Since supporting evidence is limited at this time, the clinical significance of this alteration remains unclear.

Eurofins Ntd Llc (ga)
Classification: Uncertain significance. Last evaluated: 2017-02-20. Review status: criteria provided, single submitter. Criteria: EGL Classification Definitions 2015. Collection method: clinical testing. Allele origin: germline. Observed: 1 variant allele, 1 heterozygote.

NM_001127222.2(CACNA1A):c.6613C>T (p.Arg2205Trp)

Gene: CACNA1A (calcium voltage-gated channel subunit alpha1 A; minus strand). Cytogenetic location: 19p13.13.
Variant type: single nucleotide variant.
Coding change: c.6613C>T on transcript NM_001127222.2 (MANE Select); coding-DNA position 6613, C replaced by T.
Protein change: p.Arg2205Trp; replaces arginine 2205 with tryptophan.
Molecular consequence: missense variant.
Genome position (GRCh38, 1-based): chr19:13,208,923, G>A on the plus strand (C>T on the coding strand, the complement: CACNA1A is on the minus strand). VCF-style: chr19-13208923-G-A. GRCh37 (hg19) VCF-style: chr19-13319737-G-A.
Other names: c.6631C>T, p.Arg2211Trp (NM_000068.4, NM_023035.3); c.6616C>T, p.Arg2206Trp (NM_001127221.2); c.6622C>T, p.Arg2208Trp (NM_001174080.2); short protein forms R2206W, R2205W, R2208W, R2211W.
Identifiers: ClinVar variation 500186 (VCV000500186.16), dbSNP rs780467849, ClinGen allele CA305547622.